The following is an entry in ClinVar:

ClinVar aggregate classification (germline): Uncertain significance (1 of 4 stars; one submission).

Allele frequency attached by ClinVar (database versions not stated): gnomAD exomes below 0.00001.
gnomAD v4.1: 1 of 1,611,892 alleles (0.000062%); highest among the groups gnomAD compares: South Asian, 0.0011%; no homozygotes.

Submission:

Labcorp Genetics (formerly Invitae), Labcorp
Classification: Uncertain significance. Last evaluated: 2024-11-05. Review status: criteria provided, single submitter. Criteria: Invitae Variant Classification Sherloc (09022015). Collection method: clinical testing. Allele origin: germline.
Comment: This sequence change replaces serine, which is neutral and polar, with leucine, which is neutral and non-polar, at codon 295 of the USH1G protein (p.Ser295Leu). This variant is not present in population databases (gnomAD no frequency). This variant has not been reported in the literature in individuals affected with USH1G-related conditions. ClinVar contains an entry for this variant (Variation ID: 1349453). Invitae Evidence Modeling of protein sequence and biophysical properties (such as structural, functional, and spatial information, amino acid conservation, physicochemical variation, residue mobility, and thermodynamic stability) has been performed for this missense variant. However, the output from this modeling did not meet the statistical confidence thresholds required to predict the impact of this variant on USH1G protein function. In summary, the available evidence is currently insufficient to determine the role of this variant in disease. Therefore, it has been classified as a Variant of Uncertain Significance.

NM_173477.5(USH1G):c.884C>T (p.Ser295Leu)

Gene: USH1G (USH1 protein network component sans; minus strand). Cytogenetic location: 17q25.1.
Variant type: single nucleotide variant.
Coding change: c.884C>T on transcript NM_173477.5 (MANE Select); coding-DNA position 884, C replaced by T.
Protein change: p.Ser295Leu; replaces serine 295 with leucine.
Molecular consequence: missense variant.
Genome position (GRCh38, 1-based): chr17:74,919,952, G>A on the plus strand (C>T on the coding strand, the complement: USH1G is on the minus strand). VCF-style: chr17-74919952-G-A. GRCh37 (hg19) VCF-style: chr17-72916047-G-A.
Other names: c.575C>T, p.Ser192Leu (NM_001282489.3); short protein forms S192L, S295L.
Identifiers: ClinVar variation 1349453 (VCV001349453.8), dbSNP rs2144753475, ClinGen allele CA400962755.